The following is an entry in ClinVar:

NM_152618.3(BBS12):c.29A>G (p.Lys10Arg)

Gene: BBS12 (Bardet-Biedl syndrome 12; plus strand). Cytogenetic location: 4q27.
Variant type: single nucleotide variant.
Coding change: c.29A>G on transcript NM_152618.3 (MANE Select); coding-DNA position 29, A replaced by G.
Protein change: p.Lys10Arg; replaces lysine 10 with arginine.
Molecular consequence: missense variant.
Genome position (GRCh38, 1-based): chr4:122,741,921, A>G. VCF-style: chr4-122741921-A-G. GRCh37 (hg19) VCF-style: chr4-123663076-A-G.
Other names: c.29A>G, p.Lys10Arg (NM_001178007.2); short protein forms K10R.
Identifiers: ClinVar variation 2116373 (VCV002116373.4), dbSNP rs1800878153, ClinGen allele CA358222040.

ClinVar aggregate classification (germline): Uncertain significance (1 of 4 stars; one submission).

Conditions:
Bardet-Biedl syndrome (BBS). Identifiers: Orphanet 110, MedGen C0752166, MONDO:0015229.

Submission:

Labcorp Genetics (formerly Invitae), Labcorp
Classification: Uncertain significance for Bardet-Biedl syndrome. Last evaluated: 2022-03-24. Review status: criteria provided, single submitter. Criteria: Invitae Variant Classification Sherloc (09022015). Collection method: clinical testing. Allele origin: germline.
Comment: In summary, the available evidence is currently insufficient to determine the role of this variant in disease. Therefore, it has been classified as a Variant of Uncertain Significance. Algorithms developed to predict the effect of missense changes on protein structure and function output the following: SIFT: "Tolerated"; PolyPhen-2: "Benign"; Align-GVGD: "Class C0". The arginine amino acid residue is found in multiple mammalian species, which suggests that this missense change does not adversely affect protein function. This variant has not been reported in the literature in individuals affected with BBS12-related conditions. This variant is not present in population databases (gnomAD no frequency). This sequence change replaces lysine, which is basic and polar, with arginine, which is basic and polar, at codon 10 of the BBS12 protein (p.Lys10Arg).